The following is an entry in ClinVar:

ClinVar aggregate classification (germline): Uncertain significance. Review status: criteria provided, multiple submitters, no conflicts (2 of 4 stars). 2 submissions from 2 submitters: Uncertain significance (2). Last evaluated 2024-09-06.

Conditions:
Hereditary cancer-predisposing syndrome. Also called: Hereditary Cancer Syndrome; Neoplastic Syndromes, Hereditary; Tumor predisposition; Hereditary neoplastic syndrome. Identifiers: Orphanet 140162, MedGen C0027672, MeSH D009386, MONDO:0015356.
Microcephaly, normal intelligence and immunodeficiency (NBS). Also called: Immunodeficiency, microcephaly with normal intelligence; Microcephaly with normal intelligence immunodeficiency and lymphoreticular malignancies; Nonsyndromal microcephaly autosomal recessive with normal intelligence; Seemanova syndrome 2; Ataxia telangiectasia variant V1; SEEMANOVA SYNDROME II. Identifiers: Orphanet 647, MedGen C0398791, MONDO:0009623, OMIM 251260.

Submissions (2):

Ambry Genetics
Classification: Uncertain significance for Hereditary cancer-predisposing syndrome. Last evaluated: 2024-09-06. Review status: criteria provided, single submitter. Criteria: Ambry Variant Classification Scheme 2023. Collection method: clinical testing. Allele origin: germline.
Comment: The p.K464E variant (also known as c.1390A>G), located in coding exon 10 of the NBN gene, results from an A to G substitution at nucleotide position 1390. The lysine at codon 464 is replaced by glutamic acid, an amino acid with similar properties. This amino acid position is conserved. In addition, this alteration is predicted to be tolerated by in silico analysis. Based on the available evidence, the clinical significance of this variant remains unclear.

Labcorp Genetics (formerly Invitae), Labcorp
Classification: Uncertain significance for Microcephaly, normal intelligence and immunodeficiency. Last evaluated: 2021-10-24. Review status: criteria provided, single submitter. Criteria: Invitae Variant Classification Sherloc (09022015). Collection method: clinical testing. Allele origin: germline.
Comment: This sequence change replaces lysine with glutamic acid at codon 464 of the NBN protein (p.Lys464Glu). The lysine residue is moderately conserved and there is a small physicochemical difference between lysine and glutamic acid. This variant is not present in population databases (ExAC no frequency). This variant has not been reported in the literature in individuals affected with NBN-related conditions. Algorithms developed to predict the effect of missense changes on protein structure and function are either unavailable or do not agree on the potential impact of this missense change (SIFT: "Tolerated"; PolyPhen-2: "Possibly Damaging"; Align-GVGD: "Class C0"). In summary, the available evidence is currently insufficient to determine the role of this variant in disease. Therefore, it has been classified as a Variant of Uncertain Significance.

NM_002485.5(NBN):c.1390A>G (p.Lys464Glu)

Gene: NBN (nibrin; minus strand). Cytogenetic location: 8q21.3.
Variant type: single nucleotide variant.
Coding change: c.1390A>G on transcript NM_002485.5 (MANE Select); coding-DNA position 1390, A replaced by G.
Protein change: p.Lys464Glu; replaces lysine 464 with glutamic acid.
Molecular consequence: missense variant.
Genome position (GRCh38, 1-based): chr8:89,955,290, T>C on the plus strand (A>G on the coding strand, the complement: NBN is on the minus strand). VCF-style: chr8-89955290-T-C. GRCh37 (hg19) VCF-style: chr8-90967518-T-C.
Other names: c.1390A>G (NM_002485.4); c.1144A>G, p.Lys382Glu (NM_001024688.3); short protein forms K382E, K464E.
Identifiers: ClinVar variation 1346906 (VCV001346906.7), dbSNP rs2129716633, ClinGen allele CA371655965.